The following is an entry in ClinVar:

ClinVar aggregate classification (germline): Likely pathogenic. Review status: criteria provided, multiple submitters, no conflicts (2 of 4 stars). 2 submissions from 2 submitters: Likely pathogenic (2). Last evaluated 2024-07-25.

Conditions:
Cardiovascular phenotype. Identifiers: MedGen CN230736.
Dilated cardiomyopathy 1G (CMD1G). Identifiers: Orphanet 154, MedGen C1858763, MONDO:0011400, OMIM 604145.
Autosomal recessive limb-girdle muscular dystrophy type 2J (LGMDR10). Also called: Limb-girdle muscular dystrophy, type 2J; MUSCULAR DYSTROPHY, LIMB-GIRDLE, AUTOSOMAL RECESSIVE 10. Identifiers: Orphanet 140922, MedGen C1837342, MONDO:0012127, OMIM 608807.

Submissions (2):

Molecular Diagnostic Laboratory for Inherited Cardiovascular Disease, Montreal Heart Institute
Classification: Likely pathogenic for Cardiovascular phenotype. Last evaluated: 2024-07-25. Review status: criteria provided, single submitter. Criteria: ACMG Guidelines, 2015. Collection method: clinical testing. Allele origin: germline. Affected: yes.
Comment: PVS1, PM2

Labcorp Genetics (formerly Invitae), Labcorp
Classification: Likely pathogenic for Dilated cardiomyopathy 1G; Autosomal recessive limb-girdle muscular dystrophy type 2J. Last evaluated: 2021-06-13. Review status: criteria provided, single submitter. Criteria: Invitae Variant Classification Sherloc (09022015). Collection method: clinical testing. Allele origin: germline.
Comment: In summary, the currently available evidence indicates that the variant is pathogenic, but additional data are needed to prove that conclusively. Therefore, this variant has been classified as Likely Pathogenic. This variant is located in the A band of TTN (PMID: 25589632). Truncating variants in this region are significantly overrepresented in patients affected with dilated cardiomyopathy (PMID: 25589632). Truncating variants in this region have also been reported in individuals affected with autosomal recessive centronuclear myopathy (PMID: 23975875). Algorithms developed to predict the effect of sequence changes on RNA splicing suggest that this variant may create or strengthen a splice site, but this prediction has not been confirmed by published transcriptional studies. This variant has not been reported in the literature in individuals with TTN-related conditions. This variant is not present in population databases (ExAC no frequency). This sequence change creates a premature translational stop signal (p.Gly29717Valfs*25) in the TTN gene. While this is not anticipated to result in nonsense mediated decay, it is expected to create a truncated TTN protein.

Literature cited by the submitters: PubMed 25589632 (cited by Labcorp Genetics (formerly Invitae), Labcorp); PubMed 23975875 (cited by Labcorp Genetics (formerly Invitae), Labcorp).

NM_001267550.2(TTN):c.89150del (p.Gly29717fs)

Genes: TTN (titin; minus strand), TTN-AS1 (TTN antisense RNA 1; plus strand). Cytogenetic location: 2q31.2.
Variant type: Deletion.
Coding change: c.89150del on transcript NM_001267550.2 (MANE Select); coding-DNA position 89150, one base deleted (G; older notation c.89150delG).
Protein change: p.Gly29717fs; shifts the reading frame from glycine 29717.
Molecular consequence: frameshift variant.
Genome position (GRCh38, 1-based): chr2:178,553,961, C deleted on the plus strand (G on the coding strand, the reverse complement: TTN is on the minus strand); the first of 3 consecutive C bases (chr2:178,553,961-178,553,963); deleting any one gives the same sequence. VCF-style (leftmost placement, unchanged base first): chr2-178553960-AC-A. GRCh37 (hg19) VCF-style: chr2-179418687-AC-A.
Other names: c.84227del, p.Gly28076fs (NM_001256850.1); c.61955del, p.Gly20652fs (NM_003319.4); c.81446del, p.Gly27149fs (NM_133378.4); c.62330del, p.Gly20777fs (NM_133432.3); c.62531del, p.Gly20844fs (NM_133437.4); short protein forms G20777fs, G27149fs, G20844fs, G28076fs, G29717fs, G20652fs.
Identifiers: ClinVar variation 1513690 (VCV001513690.9), dbSNP rs2154152449, ClinGen allele CA2573134103.